The following is an entry in ClinVar:

NM_004168.4(SDHA):c.1257del (p.Gln420fs)

Gene: SDHA (succinate dehydrogenase complex flavoprotein subunit A; plus strand). Cytogenetic location: 5p15.33.
Variant type: Deletion.
Coding change: c.1257del on transcript NM_004168.4 (MANE Select); coding-DNA position 1257, one base deleted (G; older notation c.1257delG).
Protein change: p.Gln420fs; shifts the reading frame from glutamine 420.
Molecular consequence: frameshift variant.
Genome position (GRCh38, 1-based): chr5:235,336, G deleted; the last of 4 consecutive G bases (chr5:235,333-235,336); deleting any one gives the same sequence. VCF-style (leftmost placement, unchanged base first): chr5-235332-AG-A. GRCh37 (hg19) VCF-style: chr5-235447-AG-A.
Other names: c.1113del, p.Gln372fs (NM_001294332.2); c.1257del, p.Gln420fs (NM_001330758.2); short protein forms Q420fs, Q372fs.
Identifiers: ClinVar variation 2567093 (VCV002567093.3), dbSNP rs2477365465, ClinGen allele CA2580613504.

ClinVar aggregate classification (germline): Pathogenic. Review status: criteria provided, multiple submitters, no conflicts (2 of 4 stars). 2 submissions from 2 submitters: Pathogenic (2). Last evaluated 2024-07-23.

Conditions:
Hereditary cancer-predisposing syndrome. Also called: Neoplastic Syndromes, Hereditary; Tumor predisposition; Hereditary Cancer Syndrome; Hereditary neoplastic syndrome. Identifiers: Orphanet 140162, MedGen C0027672, MeSH D009386, MONDO:0015356.
Pheochromocytoma/paraganglioma syndrome 5. Also called: Paragangliomas 5; SDHA-Related Hereditary Paraganglioma-Pheochromocytoma Syndrome. Identifiers: Orphanet 29072, MedGen C3279992, MONDO:0013602, OMIM 614165.

Submissions (2):

Myriad Genetics, Inc.
Classification: Pathogenic for Pheochromocytoma/paraganglioma syndrome 5. Last evaluated: 2024-07-23. Review status: criteria provided, single submitter. Criteria: Myriad Autosomal Dominant, Autosomal Recessive and X-Linked Classification Criteria (2023). Collection method: clinical testing. Allele origin: unknown.
Comment: This variant is considered pathogenic. This variant creates a frameshift predicted to result in premature protein truncation.

Ambry Genetics
Classification: Pathogenic for Hereditary cancer-predisposing syndrome. Last evaluated: 2023-05-18. Review status: criteria provided, single submitter. Criteria: Ambry Variant Classification Scheme 2023. Collection method: clinical testing. Allele origin: germline.
Comment: The c.1257delG variant, located in coding exon 9 of the SDHA gene, results from a deletion of one nucleotide at nucleotide position 1257, causing a translational frameshift with a predicted alternate stop codon (p.Q420Rfs*3). This variant is considered to be rare based on population cohorts in the Genome Aggregation Database (gnomAD). This alteration is expected to result in loss of function by premature protein truncation or nonsense-mediated mRNA decay. As such, this alteration is interpreted as a disease-causing mutation.